The following is an entry in ClinVar:

ClinVar aggregate classification (germline): Uncertain significance (1 of 4 stars; one submission).

gnomAD v4.1: 5 of 1,611,702 alleles (0.00031%); highest among the groups gnomAD compares: South Asian, 0.0011%; no homozygotes.

Submission:

GeneDx
Classification: Uncertain significance. Last evaluated: 2023-06-16. Review status: criteria provided, single submitter. Criteria: GeneDx Variant Classification Process June 2021. Collection method: clinical testing. Allele origin: germline. Affected: yes.
Comment: Not observed at significant frequency in large population cohorts (gnomAD); In silico analysis supports that this missense variant has a deleterious effect on protein structure/function; Has not been previously published as pathogenic or benign to our knowledge

NM_002906.4(RDX):c.263A>G (p.Asp88Gly)

Gene: RDX (radixin; minus strand). Cytogenetic location: 11q22.3.
Variant type: single nucleotide variant.
Coding change: c.263A>G on transcript NM_002906.4 (MANE Select); coding-DNA position 263, A replaced by G.
Protein change: p.Asp88Gly; replaces aspartic acid 88 with glycine.
Molecular consequence: missense variant. On other transcripts: intron variant (2).
Genome position (GRCh38, 1-based): chr11:110,264,164, T>C on the plus strand (A>G on the coding strand, the complement: RDX is on the minus strand). VCF-style: chr11-110264164-T-C. GRCh37 (hg19) VCF-style: chr11-110134889-T-C.
Other names: c.263A>G, p.Asp88Gly (NM_001260493.2, NM_001260492.2); c.167A>G, p.Asp56Gly (NM_001260496.2); c.-83+15517A>G (NM_001260495.2); c.60-5975A>G (NM_001260494.2); short protein forms D56G, D88G.
Identifiers: ClinVar variation 3359727 (VCV003359727.1).